The following is an entry in ClinVar:

ClinVar aggregate classification (germline): Uncertain significance. Review status: criteria provided, multiple submitters, no conflicts (2 of 4 stars). 2 submissions from 2 submitters: Uncertain significance (2). Last evaluated 2024-11-28.

Conditions:
Hereditary cancer-predisposing syndrome. Also called: Tumor predisposition; Neoplastic Syndromes, Hereditary; Hereditary Cancer Syndrome; Hereditary neoplastic syndrome. Identifiers: Orphanet 140162, MedGen C0027672, MeSH D009386, MONDO:0015356.
Neuroblastoma, susceptibility to, 3. Also called: ALK-Related Neuroblastic Tumor Susceptibility. Identifiers: Orphanet 635, MedGen C2751681, MONDO:0013083, OMIM 613014.

Submissions (2):

Labcorp Genetics (formerly Invitae), Labcorp
Classification: Uncertain significance for Neuroblastoma, susceptibility to, 3. Last evaluated: 2024-11-28. Review status: criteria provided, single submitter. Criteria: Invitae Variant Classification Sherloc (09022015). Collection method: clinical testing. Allele origin: germline.
Comment: This sequence change replaces histidine, which is basic and polar, with arginine, which is basic and polar, at codon 755 of the ALK protein (p.His755Arg). This variant is not present in population databases (gnomAD no frequency). This variant has not been reported in the literature in individuals affected with ALK-related conditions. ClinVar contains an entry for this variant (Variation ID: 1788677). An algorithm developed to predict the effect of missense changes on protein structure and function (PolyPhen-2) suggests that this variant is likely to be disruptive. In summary, the available evidence is currently insufficient to determine the role of this variant in disease. Therefore, it has been classified as a Variant of Uncertain Significance.

Ambry Genetics
Classification: Uncertain significance for Hereditary cancer-predisposing syndrome. Last evaluated: 2024-10-29. Review status: criteria provided, single submitter. Criteria: Ambry Variant Classification Scheme 2023. Collection method: clinical testing. Allele origin: germline.
Comment: The p.H755R variant (also known as c.2264A>G), located in coding exon 13 of the ALK gene, results from an A to G substitution at nucleotide position 2264. The histidine at codon 755 is replaced by arginine, an amino acid with highly similar properties. This amino acid position is conserved. In addition, this alteration is predicted to be tolerated by in silico analysis. Since supporting evidence is limited at this time, the clinical significance of this alteration remains unclear.

NM_004304.5(ALK):c.2264A>G (p.His755Arg)

Gene: ALK (ALK receptor tyrosine kinase; minus strand). Cytogenetic location: 2p23.2.
Variant type: single nucleotide variant.
Coding change: c.2264A>G on transcript NM_004304.5 (MANE Select); coding-DNA position 2264, A replaced by G.
Protein change: p.His755Arg; replaces histidine 755 with arginine.
Molecular consequence: missense variant.
Genome position (GRCh38, 1-based): chr2:29,239,771, T>C on the plus strand (A>G on the coding strand, the complement: ALK is on the minus strand). VCF-style: chr2-29239771-T-C. GRCh37 (hg19) VCF-style: chr2-29462637-T-C.
Other names: short protein forms H755R.
Identifiers: ClinVar variation 1788677 (VCV001788677.5), dbSNP rs375480327, ClinGen allele CA346474574.